The following is an entry in ClinVar:

NM_002618.4(PEX13):c.967A>C (p.Thr323Pro)

Gene: PEX13 (peroxisomal biogenesis factor 13; plus strand). Cytogenetic location: 2p15.
Variant type: single nucleotide variant.
Coding change: c.967A>C on transcript NM_002618.4 (MANE Select); coding-DNA position 967, A replaced by C.
Protein change: p.Thr323Pro; replaces threonine 323 with proline.
Molecular consequence: missense variant.
Genome position (GRCh38, 1-based): chr2:61,048,525, A>C. VCF-style: chr2-61048525-A-C. GRCh37 (hg19) VCF-style: chr2-61275660-A-C.
Other names: short protein forms T323P.
Identifiers: ClinVar variation 1373736 (VCV001373736.3), dbSNP rs753122073, ClinGen allele CA346949688.

ClinVar aggregate classification (germline): Uncertain significance (1 of 4 stars; one submission).

Conditions:
Peroxisome biogenesis disorder 11A (Zellweger). Also called: Peroxisome biogenesis disorder 11A. Identifiers: Orphanet 912, MedGen C3554000, MONDO:0013949, OMIM 614883.

Allele frequency attached by ClinVar (database versions not stated): gnomAD 0.00001.
gnomAD v4.1: 4 of 1,614,032 alleles (0.00025%); highest among the groups gnomAD compares: Non-Finnish European, 0.00034%; no homozygotes.

Submission:

Labcorp Genetics (formerly Invitae), Labcorp
Classification: Uncertain significance for Peroxisome biogenesis disorder 11A (Zellweger). Last evaluated: 2022-10-04. Review status: criteria provided, single submitter. Criteria: Invitae Variant Classification Sherloc (09022015). Collection method: clinical testing. Allele origin: germline.
Comment: This sequence change replaces threonine, which is neutral and polar, with proline, which is neutral and non-polar, at codon 323 of the PEX13 protein (p.Thr323Pro). This variant is present in population databases (no rsID available, gnomAD 0.0009%). This variant has not been reported in the literature in individuals affected with PEX13-related conditions. ClinVar contains an entry for this variant (Variation ID: 1373736). Advanced modeling of protein sequence and biophysical properties (such as structural, functional, and spatial information, amino acid conservation, physicochemical variation, residue mobility, and thermodynamic stability) performed at Invitae indicates that this missense variant is not expected to disrupt PEX13 protein function. In summary, the available evidence is currently insufficient to determine the role of this variant in disease. Therefore, it has been classified as a Variant of Uncertain Significance.